The following is an entry in ClinVar:

ClinVar aggregate classification (germline): Uncertain significance (1 of 4 stars; one submission).

gnomAD v4.1: 21 of 1,614,048 alleles (0.0013%); highest among the groups gnomAD compares: East Asian, 0.0045%; no homozygotes.

Submission:

GeneDx
Classification: Uncertain significance. Last evaluated: 2024-05-29. Review status: criteria provided, single submitter. Criteria: GeneDx Variant Classification Process June 2021. Collection method: clinical testing. Allele origin: germline. Affected: yes.
Comment: In silico analysis indicates that this missense variant does not alter protein structure/function; Has not been previously published as pathogenic or benign to our knowledge

NM_173630.4(RTTN):c.1373G>A (p.Ser458Asn)

Gene: RTTN (rotatin; minus strand). Cytogenetic location: 18q22.2.
Variant type: single nucleotide variant.
Coding change: c.1373G>A on transcript NM_173630.4 (MANE Select); coding-DNA position 1373, G replaced by A.
Protein change: p.Ser458Asn; replaces serine 458 with asparagine.
Molecular consequence: missense variant. On other transcripts: 5 prime UTR variant (1).
Genome position (GRCh38, 1-based): chr18:70,176,778, C>T on the plus strand (G>A on the coding strand, the complement: RTTN is on the minus strand). VCF-style: chr18-70176778-C-T. GRCh37 (hg19) VCF-style: chr18-67844014-C-T.
Other names: c.-1181G>A (NM_001318520.2); short protein forms S458N.
Identifiers: ClinVar variation 3383448 (VCV003383448.1).